The following is an entry in ClinVar:

NM_001278669.2(NFATC1):c.1442C>T (p.Ala481Val)

Gene: NFATC1 (nuclear factor of activated T cells 1; plus strand). Cytogenetic location: 18q23.
Variant type: single nucleotide variant.
Coding change: c.1442C>T on transcript NM_001278669.2 (MANE Select); coding-DNA position 1442, C replaced by T.
Protein change: p.Ala481Val; replaces alanine 481 with valine.
Molecular consequence: missense variant.
Genome position (GRCh38, 1-based): chr18:79,448,837, C>T. VCF-style: chr18-79448837-C-T. GRCh37 (hg19) VCF-style: chr18-77208837-C-T.
Other names: c.1442C>T, p.Ala481Val (NM_001278670.2, NM_006162.5, NM_172390.3); c.1403C>T, p.Ala468Val (NM_001278672.2, NM_001278675.2, NM_172387.3 and 1 more transcripts); c.26C>T, p.Ala9Val (NM_001278673.2, NM_172388.3); short protein forms A9V, A468V, A481V.
Identifiers: ClinVar variation 1494687 (VCV001494687.5), dbSNP rs146472413, ClinGen allele CA9009204.
Genomic context (GRCh38, chr18:79,448,837, plus strand): 5'-GCCAGCTGCATGGCTACTTGGAGAATGAGCCGCTGATGCTGCAGCTTTTCATTGGGACGG[C>T]GGACGACCGCCTGCTGCGCCCGCACGCCTTCTACCAGGTGCACCGCATCACAGGGAAGAC-3'
Protein context (NP_001265598.1, residues 471-491): PLMLQLFIGT[Ala481Val]DDRLLRPHAF

ClinVar aggregate classification (germline): Uncertain significance (1 of 4 stars; one submission).

Allele frequency attached by ClinVar (database versions not stated): ESP Exome Variant Server 0.00008; ExAC 0.00017; gnomAD exomes 0.00026 and 0.00034; gnomAD 0.00047 and 0.00048; 1000 Genomes Project 0.00060; 1000 Genomes Project 30x 0.00062; TOPMed 0.00083.
gnomAD v4.1: 573 of 1,613,842 alleles (0.036%); highest among the groups gnomAD compares: Admixed American, 0.14%; no homozygotes.

Submission:

Labcorp Genetics (formerly Invitae), Labcorp
Classification: Uncertain significance. Last evaluated: 2025-07-27. Review status: criteria provided, single submitter. Criteria: Invitae Variant Classification Sherloc (09022015). Collection method: clinical testing. Allele origin: germline.
Comment: This sequence change replaces alanine, which is neutral and non-polar, with valine, which is neutral and non-polar, at codon 481 of the NFATC1 protein (p.Ala481Val). This variant is present in population databases (rs146472413, gnomAD 0.06%), and has an allele count higher than expected for a pathogenic variant. This variant has not been reported in the literature in individuals affected with NFATC1-related conditions. ClinVar contains an entry for this variant (Variation ID: 1494687). An algorithm developed to predict the effect of missense changes on protein structure and function (PolyPhen-2) suggests that this variant is likely to be disruptive. In summary, the available evidence is currently insufficient to determine the role of this variant in disease. Therefore, it has been classified as a Variant of Uncertain Significance.